The following is an entry in ClinVar:

NM_030665.4(RAI1):c.1177A>G (p.Met393Val)

Gene: RAI1 (retinoic acid induced 1; plus strand). Cytogenetic location: 17p11.2.
Variant type: single nucleotide variant.
Coding change: c.1177A>G on transcript NM_030665.4 (MANE Select); coding-DNA position 1177, A replaced by G.
Protein change: p.Met393Val; replaces methionine 393 with valine.
Molecular consequence: missense variant.
Genome position (GRCh38, 1-based): chr17:17,794,125, A>G. VCF-style: chr17-17794125-A-G. GRCh37 (hg19) VCF-style: chr17-17697439-A-G.
Other names: short protein forms M393V.
Identifiers: ClinVar variation 3358547 (VCV003358547.3).

ClinVar aggregate classification (germline): Uncertain significance. Review status: criteria provided, single submitter (1 of 4 stars). 2 submissions from 2 submitters: Uncertain significance (1). 1 of the submissions does not count toward it. Last evaluated 2025-02-02.

Conditions:
RAI1-related disorder. Also called: RAI1-related condition.

gnomAD v4.1: 37 of 1,613,920 alleles (0.0023%); highest among the groups gnomAD compares: South Asian, 0.0033%; no homozygotes.

Submissions (2):

Labcorp Genetics (formerly Invitae), Labcorp
Classification: Uncertain significance. Last evaluated: 2025-02-02. Review status: criteria provided, single submitter. Criteria: Invitae Variant Classification Sherloc (09022015). Collection method: clinical testing. Allele origin: germline.
Comment: This sequence change replaces methionine, which is neutral and non-polar, with valine, which is neutral and non-polar, at codon 393 of the RAI1 protein (p.Met393Val). This variant is present in population databases (rs768925060, gnomAD 0.006%). This variant has not been reported in the literature in individuals affected with RAI1-related conditions. ClinVar contains an entry for this variant (Variation ID: 3358547). Invitae Evidence Modeling of protein sequence and biophysical properties (such as structural, functional, and spatial information, amino acid conservation, physicochemical variation, residue mobility, and thermodynamic stability) indicates that this missense variant is expected to disrupt RAI1 protein function with a positive predictive value of 80%. In summary, the available evidence is currently insufficient to determine the role of this variant in disease. Therefore, it has been classified as a Variant of Uncertain Significance.

PreventionGenetics, part of Exact Sciences
Classification: Uncertain significance for RAI1-related condition. Last evaluated: 2024-05-15. Review status: no assertion criteria provided. Collection method: clinical testing. Allele origin: germline. Not counted in ClinVar's aggregate classification.
Comment: The RAI1 c.1177A>G variant is predicted to result in the amino acid substitution p.Met393Val. To our knowledge, this variant has not been reported in the literature. This variant is reported in 0.0054% of alleles in individuals of East Asian descent in gnomAD. At this time, the clinical significance of this variant is uncertain due to the absence of conclusive functional and genetic evidence.